The following is an entry in ClinVar:

NM_001161352.2(KCNMA1):c.2332T>A (p.Ser778Thr)

Genes: KCNMA1 (potassium calcium-activated channel subfamily M alpha 1; minus strand), KCNMA1-AS1 (KCNMA1 antisense RNA 1; plus strand). Cytogenetic location: 10q22.3.
Variant type: single nucleotide variant.
Coding change: c.2332T>A on transcript NM_001161352.2 (MANE Select); coding-DNA position 2332, T replaced by A.
Protein change: p.Ser778Thr; replaces serine 778 with threonine.
Molecular consequence: missense variant.
Genome position (GRCh38, 1-based): chr10:76,970,002, A>T on the plus strand (T>A on the coding strand, the complement: KCNMA1 is on the minus strand). VCF-style: chr10-76970002-A-T. GRCh37 (hg19) VCF-style: chr10-78729760-A-T.
Other names: c.2170T>A, p.Ser724Thr (NM_001014797.3, NM_001322835.2, NM_001322837.2); c.2158T>A, p.Ser720Thr (NM_001161353.2, NM_001322832.2, NM_001410940.1 and 1 more transcripts); c.2008T>A, p.Ser670Thr (NM_001271518.2); c.2167T>A, p.Ser723Thr (NM_001271519.2, NM_001322829.2, NM_001322836.2); c.2179T>A, p.Ser727Thr (NM_001322830.2); c.1705T>A, p.Ser569Thr (NM_001322838.2); short protein forms S724T, S778T, S569T, S720T, S723T, S670T, S727T.
Identifiers: ClinVar variation 2015230 (VCV002015230.4), dbSNP rs752418213, ClinGen allele CA5568126.
Genomic context (GRCh38, chr10:76,970,002, plus strand): 5'-GGAAACCGTGGGCAACCAGCCCCTCTCCTTACCTCATCAGCTTAGGCGAGGTGTTGGGTG[A>T]GTTCCGCATGCCTCCATTCCGTTGCTTTTTTTTTGGTGATAGTGTTGACGGCTGCTCATC-3'
Protein context (NP_001154824.1, residues 768-788): KKQRNGGMRN[Ser778Thr]PNTSPKLMRH

ClinVar aggregate classification (germline): Uncertain significance (1 of 4 stars; one submission).

Conditions:
Generalized epilepsy-paroxysmal dyskinesia syndrome (PNKD3). Also called: Generalized epilepsy and paroxysmal dyskinesia; Paroxysmal nonkinesigenic dyskinesia, 3, with or without generalized epilepsy. Identifiers: Orphanet 79137, MedGen C5574945, MONDO:0012276, OMIM 609446.

Allele frequency attached by ClinVar (database versions not stated): ExAC 0.00001.

Submission:

Labcorp Genetics (formerly Invitae), Labcorp
Classification: Uncertain significance for Generalized epilepsy-paroxysmal dyskinesia syndrome. Last evaluated: 2022-08-08. Review status: criteria provided, single submitter. Criteria: Invitae Variant Classification Sherloc (09022015). Collection method: clinical testing. Allele origin: germline.
Comment: In summary, the available evidence is currently insufficient to determine the role of this variant in disease. Therefore, it has been classified as a Variant of Uncertain Significance. Algorithms developed to predict the effect of missense changes on protein structure and function are either unavailable or do not agree on the potential impact of this missense change (SIFT: "Deleterious"; PolyPhen-2: "Benign"; Align-GVGD: "Class C0"). This variant has not been reported in the literature in individuals affected with KCNMA1-related conditions. This variant is present in population databases (rs752418213, gnomAD 0.004%). This sequence change replaces serine, which is neutral and polar, with threonine, which is neutral and polar, at codon 720 of the KCNMA1 protein (p.Ser720Thr).